The following is an entry in ClinVar:

ClinVar aggregate classification (germline): Uncertain significance (1 of 4 stars; one submission).

Conditions:
Multiple gastrointestinal atresias. Also called: FAMILIAL INTESTINAL POLYATRESIA SYNDROME; Multiple intestinal atresia. Identifiers: Orphanet 2300, MedGen C0220744, MONDO:0009465.

Allele frequency attached by ClinVar (database versions not stated): gnomAD exomes below 0.00001.
gnomAD v4.1: 1 of 1,611,878 alleles (0.000062%); highest among the groups gnomAD compares: Non-Finnish European, 0.000085%; no homozygotes.

Submission:

Labcorp Genetics (formerly Invitae), Labcorp
Classification: Uncertain significance for Multiple gastrointestinal atresias. Last evaluated: 2018-01-29. Review status: criteria provided, single submitter. Criteria: Invitae Variant Classification Sherloc (09022015). Collection method: clinical testing. Allele origin: germline.
Comment: In summary, the available evidence is currently insufficient to determine the role of this variant in disease. Therefore, it has been classified as a Variant of Uncertain Significance. Algorithms developed to predict the effect of missense changes on protein structure and function do not agree on the potential impact of this missense change (SIFT: "Deleterious"; PolyPhen-2: "Benign"; Align-GVGD: "Class C0"). This variant has not been reported in the literature in individuals with TTC7A-related disease. This variant is not present in population databases (ExAC no frequency). This sequence change replaces lysine with methionine at codon 254 of the TTC7A protein (p.Lys254Met). The lysine residue is moderately conserved and there is a moderate physicochemical difference between lysine and methionine.

NM_020458.4(TTC7A):c.761A>T (p.Lys254Met)

Gene: TTC7A (tetratricopeptide repeat domain 7A; plus strand). Cytogenetic location: 2p21.
Variant type: single nucleotide variant.
Coding change: c.761A>T on transcript NM_020458.4 (MANE Select); coding-DNA position 761, A replaced by T.
Protein change: p.Lys254Met; replaces lysine 254 with methionine.
Molecular consequence: missense variant. On other transcripts: 5 prime UTR variant (1).
Genome position (GRCh38, 1-based): chr2:46,978,904, A>T. VCF-style: chr2-46978904-A-T. GRCh37 (hg19) VCF-style: chr2-47206043-A-T.
Other names: c.761A>T, p.Lys254Met (LRG_1323t1, NM_001288951.2); c.659A>T, p.Lys220Met (NM_001288953.2); c.-144A>T (NM_001288955.2); short protein forms K254M, K220M.
Identifiers: ClinVar variation 573224 (VCV000573224.9), dbSNP rs1558531892, ClinGen allele CA346723920.